The following is an entry in ClinVar:

ClinVar aggregate classification (germline): Likely benign (1 of 4 stars; one submission).

Allele frequency attached by ClinVar (database versions not stated): gnomAD exomes below 0.00001; ExAC 0.00001; ESP Exome Variant Server 0.00008.
gnomAD v4.1: 2 of 1,614,224 alleles (0.00012%); highest among the groups gnomAD compares: Non-Finnish European, 0.00017%; no homozygotes.

Submission:

CeGaT Center for Human Genetics Tuebingen
Classification: Likely benign. Last evaluated: 2024-03-01. Review status: criteria provided, single submitter. Criteria: CeGaT Center For Human Genetics Tuebingen Variant Classification Criteria Version 2. Collection method: clinical testing. Allele origin: germline. Affected: yes. Observed: 3 variant alleles.
Comment: COL4A4: BP4, BP7

NM_000092.5(COL4A4):c.2766G>A (p.Lys922=)

Gene: COL4A4 (collagen type IV alpha 4 chain; minus strand). Cytogenetic location: 2q36.3.
Variant type: single nucleotide variant.
Coding change: c.2766G>A on transcript NM_000092.5 (MANE Select); coding-DNA position 2766, G replaced by A.
Protein change: p.Lys922=; no amino-acid change (lysine 922 retained).
Molecular consequence: synonymous variant.
Genome position (GRCh38, 1-based): chr2:227,054,688, C>T on the plus strand (G>A on the coding strand, the complement: COL4A4 is on the minus strand). VCF-style: chr2-227054688-C-T. GRCh37 (hg19) VCF-style: chr2-227919404-C-T.
Identifiers: ClinVar variation 2651955 (VCV002651955.24), dbSNP rs377626576, ClinGen allele CA2144720.